The following is an entry in ClinVar:

NM_004655.4(AXIN2):c.1213G>A (p.Glu405Lys)

Gene: AXIN2 (axin 2; minus strand). Cytogenetic location: 17q24.1.
Variant type: single nucleotide variant.
Coding change: c.1213G>A on transcript NM_004655.4 (MANE Select); coding-DNA position 1213, G replaced by A.
Protein change: p.Glu405Lys; replaces glutamic acid 405 with lysine.
Molecular consequence: missense variant.
Genome position (GRCh38, 1-based): chr17:65,537,823, C>T on the plus strand (G>A on the coding strand, the complement: AXIN2 is on the minus strand). VCF-style: chr17-65537823-C-T. GRCh37 (hg19) VCF-style: chr17-63533941-C-T.
Other names: c.1213G>A, p.Glu405Lys (NM_001363813.1); short protein forms E405K.
Identifiers: ClinVar variation 1378626 (VCV001378626.6), dbSNP rs2043963146, ClinGen allele CA400677952.

ClinVar aggregate classification (germline): Uncertain significance (1 of 4 stars; one submission).

Conditions:
Oligodontia-cancer predisposition syndrome. Also called: TOOTH AGENESIS-COLORECTAL CANCER SYNDROME. Identifiers: Orphanet 300576, MedGen C1837750, MONDO:0012075, OMIM 608615. Disease mechanism: loss of function.

Submission:

Labcorp Genetics (formerly Invitae), Labcorp
Classification: Uncertain significance for Oligodontia-cancer predisposition syndrome. Last evaluated: 2021-08-30. Review status: criteria provided, single submitter. Criteria: Invitae Variant Classification Sherloc (09022015). Collection method: clinical testing. Allele origin: germline.
Comment: This sequence change replaces glutamic acid with lysine at codon 405 of the AXIN2 protein (p.Glu405Lys). The glutamic acid residue is highly conserved and there is a small physicochemical difference between glutamic acid and lysine. This variant is not present in population databases (ExAC no frequency). This variant has not been reported in the literature in individuals affected with AXIN2-related conditions. Algorithms developed to predict the effect of missense changes on protein structure and function (SIFT, PolyPhen-2, Align-GVGD) all suggest that this variant is likely to be tolerated. In summary, the available evidence is currently insufficient to determine the role of this variant in disease. Therefore, it has been classified as a Variant of Uncertain Significance.